The following is an entry in ClinVar:

ClinVar aggregate classification (germline): Conflicting classifications of pathogenicity. Review status: criteria provided, conflicting classifications (1 of 4 stars). 3 submissions from 3 submitters: Uncertain significance (2); Likely benign (1). Last evaluated 2025-12-23.

Submissions (3):

Labcorp Genetics (formerly Invitae), Labcorp
Classification: Likely benign. Last evaluated: 2025-12-23. Review status: criteria provided, single submitter. Criteria: Invitae Variant Classification Sherloc (09022015). Collection method: clinical testing. Allele origin: germline.

Mayo Clinic Laboratories, Mayo Clinic
Classification: Uncertain significance. Last evaluated: 2025-01-07. Review status: criteria provided, single submitter. Criteria: ACMG Guidelines, 2015. Collection method: clinical testing. Allele origin: germline. Observed: 1 variant allele.
Comment: BP4_moderate

Ambry Genetics
Classification: Uncertain significance. Last evaluated: 2024-10-29. Review status: criteria provided, single submitter. Criteria: Ambry Variant Classification Scheme 2023. Collection method: clinical testing. Allele origin: germline.

NM_016138.5(COQ7):c.58C>T (p.Arg20Trp)

Genes: COQ7 (coenzyme Q7, hydroxylase; plus strand), LOC130058587 (ATAC-STARR-seq lymphoblastoid silent region 7240; plus strand). Cytogenetic location: 16p12.3.
Variant type: single nucleotide variant.
Coding change: c.58C>T on transcript NM_016138.5 (MANE Select); coding-DNA position 58, C replaced by T.
Protein change: p.Arg20Trp; replaces arginine 20 with tryptophan.
Molecular consequence: missense variant. On other transcripts: non-coding transcript variant (2).
Genome position (GRCh38, 1-based): chr16:19,067,722, C>T. VCF-style: chr16-19067722-C-T. GRCh37 (hg19) VCF-style: chr16-19079044-C-T.
Other names: p.Arg20Trp; c.58C>T, p.Arg20Trp (NM_001370490.1); short protein forms R20W.
Identifiers: ClinVar variation 3496038 (VCV003496038.3).